The following is an entry in ClinVar:

NM_001127671.2(LIFR):c.1744_1745del (p.Gln582fs)

Gene: LIFR (LIF receptor subunit alpha; minus strand). Cytogenetic location: 5p13.1.
Variant type: Microsatellite.
Coding change: c.1744_1745del on transcript NM_001127671.2 (MANE Select); coding-DNA positions 1744 to 1745, 2 bases deleted (CA; older notation c.1744_1745delCA).
Protein change: p.Gln582fs; shifts the reading frame from glutamine 582.
Molecular consequence: frameshift variant.
Genome position (GRCh38, 1-based): chr5:38,496,522-38,496,523, TG deleted on the plus strand (CA on the coding strand, the reverse complement: LIFR is on the minus strand); deleting any 2 consecutive bases within chr5:38,496,522-38,496,526 gives the same sequence; the c. name uses the placement nearest the transcript's 3' end. VCF-style (leftmost placement, unchanged base first): chr5-38496521-CTG-C. GRCh37 (hg19) VCF-style: chr5-38496623-CTG-C.
Other names: c.1744_1745del, p.Gln582fs (NM_001364297.2, NM_001364298.2, NM_002310.6); short protein forms Q582fs.
Identifiers: ClinVar variation 2758751 (VCV002758751.3), dbSNP rs2531001532, ClinGen allele CA2578294246.

ClinVar aggregate classification (germline): Pathogenic (1 of 4 stars; one submission).

Submission:

Labcorp Genetics (formerly Invitae), Labcorp
Classification: Pathogenic. Last evaluated: 2023-09-08. Review status: criteria provided, single submitter. Criteria: Invitae Variant Classification Sherloc (09022015). Collection method: clinical testing. Allele origin: germline.
Comment: This sequence change creates a premature translational stop signal (p.Gln582Valfs*4) in the LIFR gene. It is expected to result in an absent or disrupted protein product. Loss-of-function variants in LIFR are known to be pathogenic (PMID: 14740318). For these reasons, this variant has been classified as Pathogenic. This variant has not been reported in the literature in individuals affected with LIFR-related conditions. This variant is not present in population databases (gnomAD no frequency).

Literature cited by the submitters: PubMed 14740318.